The following is an entry in ClinVar:

NM_198994.3(TGM6):c.1159G>A (p.Asp387Asn)

Gene: TGM6 (transglutaminase 6; plus strand). Cytogenetic location: 20p13.
Variant type: single nucleotide variant.
Coding change: c.1159G>A on transcript NM_198994.3 (MANE Select); coding-DNA position 1159, G replaced by A.
Protein change: p.Asp387Asn; replaces aspartic acid 387 with asparagine.
Molecular consequence: missense variant.
Genome position (GRCh38, 1-based): chr20:2,403,646, G>A. VCF-style: chr20-2403646-G-A. GRCh37 (hg19) VCF-style: chr20-2384292-G-A.
Other names: c.1159G>A, p.Asp387Asn (NM_001254734.2); short protein forms D387N.
Identifiers: ClinVar variation 3709263 (VCV003709263.2).

ClinVar aggregate classification (germline): Uncertain significance (1 of 4 stars; one submission).

gnomAD v4.1: 42 of 1,614,066 alleles (0.0026%); highest among the groups gnomAD compares: Non-Finnish European, 0.0032%; no homozygotes.

Submission:

Labcorp Genetics (formerly Invitae), Labcorp
Classification: Uncertain significance. Last evaluated: 2024-02-08. Review status: criteria provided, single submitter. Criteria: Invitae Variant Classification Sherloc (09022015). Collection method: clinical testing. Allele origin: germline.
Comment: This sequence change replaces aspartic acid, which is acidic and polar, with asparagine, which is neutral and polar, at codon 387 of the TGM6 protein (p.Asp387Asn). This variant is present in population databases (rs200872034, gnomAD 0.003%). This variant has not been reported in the literature in individuals affected with TGM6-related conditions. Advanced modeling of protein sequence and biophysical properties (such as structural, functional, and spatial information, amino acid conservation, physicochemical variation, residue mobility, and thermodynamic stability) performed at Invitae indicates that this missense variant is not expected to disrupt TGM6 protein function with a negative predictive value of 80%. In summary, the available evidence is currently insufficient to determine the role of this variant in disease. Therefore, it has been classified as a Variant of Uncertain Significance.